The following is an entry in ClinVar:

NM_006017.3(PROM1):c.158G>A (p.Gly53Asp)

Gene: PROM1 (prominin 1; minus strand). Cytogenetic location: 4p15.32.
Variant type: single nucleotide variant.
Coding change: c.158G>A on transcript NM_006017.3 (MANE Select); coding-DNA position 158, G replaced by A.
Protein change: p.Gly53Asp; replaces glycine 53 with aspartic acid.
Molecular consequence: missense variant.
Genome position (GRCh38, 1-based): chr4:16,075,749, C>T on the plus strand (G>A on the coding strand, the complement: PROM1 is on the minus strand). VCF-style: chr4-16075749-C-T. GRCh37 (hg19) VCF-style: chr4-16077372-C-T.
Other names: c.158G>A, p.Gly53Asp (NM_001145847.2, NM_001145848.2, NM_001145849.2 and 6 more transcripts); short protein forms G53D.
Identifiers: ClinVar variation 900247 (VCV000900247.15), dbSNP rs755064227, ClinGen allele CA2867180.

ClinVar aggregate classification (germline): Conflicting classifications of pathogenicity. Review status: criteria provided, conflicting classifications (1 of 4 stars). 7 submissions from 4 submitters: Uncertain significance (4); Likely benign (3). Last evaluated 2025-04-17.

Conditions:
Retinal dystrophy. Also called: Inherited retinal dystrophy. Identifiers: Orphanet 71862, MedGen C0854723, MeSH D058499, MONDO:0019118, HP:0000556.
Cone-rod dystrophy 12 (CORD12). Identifiers: Orphanet 1872, MedGen C2675210, MONDO:0012983, OMIM 612657.
Retinal macular dystrophy type 2 (MCDR2). Also called: Bull's eye macular dystrophy. Identifiers: Orphanet 319640, MedGen C4749334, MONDO:0011957, OMIM 608051.
Stargardt disease 4 (STGD4). Identifiers: Orphanet 827, MedGen C1863534, MONDO:0011370, OMIM 603786.
Retinitis pigmentosa (RP). Identifiers: Orphanet 791, MedGen C0035334, MeSH D012174, MONDO:0019200, OMIM 268000. Inheritance: Autosomal dominant, autosomal recessive and X linked inheritance.

Allele frequency attached by ClinVar (database versions not stated): gnomAD below 0.00001 and 0.00001; TOPMed below 0.00001; gnomAD exomes 0.00005; ExAC 0.00009.
gnomAD v4.1: 45 of 1,613,668 alleles (0.0028%); highest among the groups gnomAD compares: East Asian, 0.096%; no homozygotes.

Submissions (7):

Labcorp Genetics (formerly Invitae), Labcorp
Classification: Uncertain significance. Last evaluated: 2025-04-17. Review status: criteria provided, single submitter. Criteria: Invitae Variant Classification Sherloc (09022015). Collection method: clinical testing. Allele origin: germline.
Comment: This sequence change replaces glycine, which is neutral and non-polar, with aspartic acid, which is acidic and polar, at codon 53 of the PROM1 protein (p.Gly53Asp). This variant is present in population databases (rs755064227, gnomAD 0.06%). This missense change has been observed in individual(s) with clinical features of autosomal dominant PROM1-related conditions (PMID: 32820593). ClinVar contains an entry for this variant (Variation ID: 900247). Invitae Evidence Modeling of protein sequence and biophysical properties (such as structural, functional, and spatial information, amino acid conservation, physicochemical variation, residue mobility, and thermodynamic stability) indicates that this missense variant is not expected to disrupt PROM1 protein function with a negative predictive value of 80%. In summary, the available evidence is currently insufficient to determine the role of this variant in disease. Therefore, it has been classified as a Variant of Uncertain Significance.

Dept Of Ophthalmology, Nagoya University
Classification: Likely benign for Retinal dystrophy. Last evaluated: 2023-10-01. Review status: criteria provided, single submitter. Criteria: Submitter's publication. Collection method: research. Allele origin: germline. Affected: yes.

Blueprint Genetics
Classification: Uncertain significance. Last evaluated: 2019-07-03. Review status: criteria provided, single submitter. Criteria: ACMG Guidelines, 2015. Collection method: clinical testing. Allele origin: germline.

Illumina Laboratory Services, Illumina
Classification: Likely benign for Cone-rod dystrophy 12. Last evaluated: 2018-01-13. Review status: criteria provided, single submitter. Criteria: ICSL Variant Classification Criteria 13 December 2019. Collection method: clinical testing. Allele origin: germline.
Comment: This variant was observed in the ICSL laboratory as part of a predisposition screen in an ostensibly healthy population. It had not been previously curated by ICSL or reported in the Human Gene Mutation Database (HGMD: prior to June 1st, 2018), and was therefore a candidate for classification through an automated scoring system. Utilizing variant allele frequency, disease prevalence and penetrance estimates, and inheritance mode, an automated score was calculated to assess if this variant is too frequent to cause the disease. Based on the score and internal cut-off values, a variant classified as likely benign is not then subjected to further curation. The score for this variant resulted in a classification of likely benign for this disease.

Illumina Laboratory Services, Illumina
Classification: Uncertain significance for Retinitis pigmentosa. Last evaluated: 2018-01-13. Review status: criteria provided, single submitter. Criteria: ICSL Variant Classification Criteria 13 December 2019. Collection method: clinical testing. Allele origin: germline.

Illumina Laboratory Services, Illumina
Classification: Uncertain significance for Retinal macular dystrophy type 2. Last evaluated: 2018-01-13. Review status: criteria provided, single submitter. Criteria: ICSL Variant Classification Criteria 13 December 2019. Collection method: clinical testing. Allele origin: germline.

Illumina Laboratory Services, Illumina
Classification: Likely benign for Stargardt disease 4. Last evaluated: 2018-01-13. Review status: criteria provided, single submitter. Criteria: ICSL Variant Classification Criteria 13 December 2019. Collection method: clinical testing. Allele origin: germline.
Comment: the same text as in the submission from Illumina Laboratory Services, Illumina above.

Literature cited by the submitters: PubMed 32820593 (cited by Labcorp Genetics (formerly Invitae), Labcorp).